The following is an entry in ClinVar:

NM_015909.4(NBAS):c.2630G>T (p.Gly877Val)

Gene: NBAS (NBAS subunit of NRZ tethering complex; minus strand). Cytogenetic location: 2p24.3.
Variant type: single nucleotide variant.
Coding change: c.2630G>T on transcript NM_015909.4 (MANE Select); coding-DNA position 2630, G replaced by T.
Protein change: p.Gly877Val; replaces glycine 877 with valine.
Molecular consequence: missense variant. On other transcripts: non-coding transcript variant (1).
Genome position (GRCh38, 1-based): chr2:15,417,660, C>A on the plus strand (G>T on the coding strand, the complement: NBAS is on the minus strand). VCF-style: chr2-15417660-C-A. GRCh37 (hg19) VCF-style: chr2-15557784-C-A.
Other names: short protein forms G877V.
Identifiers: ClinVar variation 1172779 (VCV001172779.2), dbSNP rs2148464034, ClinGen allele CA345887031.

ClinVar aggregate classification (germline): Likely pathogenic (1 of 4 stars; one submission).

Conditions:
Infantile liver failure syndrome 2 (ILFS2). Identifiers: MedGen C3809651, MONDO:0014659, OMIM 616483.

Submission:

The Laboratory of Genetics and Metabolism, Hunan Children’s Hospital
Classification: Likely pathogenic for Infantile liver failure syndrome 2. Last evaluated: 2021-03-06. Review status: criteria provided, single submitter. Criteria: ACMG Guidelines, 2015. Collection method: research. Allele origin: maternal. Affected: yes. Observed: 1 variant allele.
Comment: In compound heterozygosity following autosomal recessive inheritance.

Literature cited by the submitters: PubMed 34298581.